The following is an entry in ClinVar:

NM_001365951.3(KIF1B):c.3362T>C (p.Val1121Ala)

Gene: KIF1B (kinesin family member 1B; plus strand). Cytogenetic location: 1p36.22.
Variant type: single nucleotide variant.
Coding change: c.3362T>C on transcript NM_001365951.3 (MANE Select); coding-DNA position 3362, T replaced by C.
Protein change: p.Val1121Ala; replaces valine 1121 with alanine.
Molecular consequence: missense variant.
Genome position (GRCh38, 1-based): chr1:10,337,473, T>C. VCF-style: chr1-10337473-T-C. GRCh37 (hg19) VCF-style: chr1-10397531-T-C.
Other names: c.3362T>C, p.Val1121Ala (NM_001365952.1); c.3224T>C, p.Val1075Ala (NM_015074.3); short protein forms V1075A, V1121A.
Identifiers: ClinVar variation 4858854 (VCV004858854.1).
Genomic context (GRCh38, chr1:10,337,473, plus strand): 5'-AAGGGTTTTCTGAAGAGATTGGCAACCACCTGAAACTGGGCAGTGCCTTCACTTTCCGAG[T>C]AACAGTGTTGCAGGCCAGTGGAATCCTCCCAGAGTATGCAGATATCTTCTGTCAGTTCAA-3'
Protein context (NP_001352880.1, residues 1111-1131): LKLGSAFTFR[Val1121Ala]TVLQASGILP

ClinVar aggregate classification (germline): Uncertain significance (1 of 4 stars; one submission).

Submission:

Ambry Genetics
Classification: Uncertain significance. Last evaluated: 2026-05-03. Review status: criteria provided, single submitter. Criteria: Ambry Variant Classification Scheme 2023. Collection method: clinical testing. Allele origin: germline.
Comment: The p.V1075A variant (also known as c.3224T>C), located in coding exon 28 of the KIF1B gene, results from a T to C substitution at nucleotide position 3224. The valine at codon 1075 is replaced by alanine, an amino acid with similar properties. This amino acid position is conserved. In addition, this alteration is predicted to be deleterious by in silico analysis. Based on the available evidence, the clinical significance of this variant remains unclear.